The following is an entry in ClinVar:

NM_033026.6(PCLO):c.2491A>G (p.Ile831Val)

Gene: PCLO (piccolo presynaptic cytomatrix protein; minus strand). Cytogenetic location: 7q21.11.
Variant type: single nucleotide variant.
Coding change: c.2491A>G on transcript NM_033026.6 (MANE Select); coding-DNA position 2491, A replaced by G.
Protein change: p.Ile831Val; replaces isoleucine 831 with valine.
Molecular consequence: missense variant.
Genome position (GRCh38, 1-based): chr7:83,135,059, T>C on the plus strand (A>G on the coding strand, the complement: PCLO is on the minus strand). VCF-style: chr7-83135059-T-C. GRCh37 (hg19) VCF-style: chr7-82764375-T-C.
Other names: c.2491A>G, p.Ile831Val (NM_014510.3); short protein forms I831V.
Identifiers: ClinVar variation 3903257 (VCV003903257.1).

ClinVar aggregate classification (germline): Uncertain significance (1 of 4 stars; one submission).

Submission:

GeneDx
Classification: Uncertain significance. Last evaluated: 2023-06-08. Review status: criteria provided, single submitter. Criteria: GeneDx Variant Classification Process June 2021. Collection method: clinical testing. Allele origin: germline. Affected: yes.
Comment: Not observed at significant frequency in large population cohorts (gnomAD); In silico analysis supports that this missense variant does not alter protein structure/function; Has not been previously published as pathogenic or benign to our knowledge; Variants in candidate genes are classified as variants of uncertain significance in accordance with ACMG guidelines (Richards et al., 2015)